The following is an entry in ClinVar:

ClinVar aggregate classification (germline): Uncertain significance (1 of 4 stars; one submission).

Allele frequency attached by ClinVar (database versions not stated): gnomAD exomes below 0.00001.
gnomAD v4.1: 1 of 1,493,944 alleles (0.000067%); highest among the groups gnomAD compares: Non-Finnish European, 0.000091%; no homozygotes.

Submission:

CeGaT Center for Human Genetics Tuebingen
Classification: Uncertain significance. Last evaluated: 2023-03-01. Review status: criteria provided, single submitter. Criteria: CeGaT Center For Human Genetics Tuebingen Variant Classification Criteria Version 2. Collection method: clinical testing. Allele origin: germline. Affected: yes. Observed: 1 variant allele.
Comment: CEP85L: PM2, BP4

NM_001042475.3(CEP85L):c.1877A>G (p.Gln626Arg)

Gene: CEP85L (centrosomal protein 85L; minus strand). Cytogenetic location: 6q22.31.
Variant type: single nucleotide variant.
Coding change: c.1877A>G on transcript NM_001042475.3 (MANE Select); coding-DNA position 1877, A replaced by G.
Protein change: p.Gln626Arg; replaces glutamine 626 with arginine.
Molecular consequence: missense variant.
Genome position (GRCh38, 1-based): chr6:118,479,908, T>C on the plus strand (A>G on the coding strand, the complement: CEP85L is on the minus strand). VCF-style: chr6-118479908-T-C. GRCh37 (hg19) VCF-style: chr6-118801071-T-C.
Other names: c.1886A>G, p.Gln629Arg (NM_001178035.2); short protein forms Q626R, Q629R.
Identifiers: ClinVar variation 2656883 (VCV002656883.24), dbSNP rs2533821875, ClinGen allele CA365542648.